The following is an entry in ClinVar:

ClinVar aggregate classification (germline): Likely benign (1 of 4 stars; one submission).

Conditions:
BMPR1A-related disorder. Also called: BMPR1A-related condition.

Submission:

PreventionGenetics, part of Exact Sciences
Classification: Likely benign for BMPR1A-related condition. Last evaluated: 2025-09-08. Review status: criteria provided, single submitter. Criteria: ACMG Guidelines, 2015. Collection method: clinical testing. Allele origin: germline.
Comment: This variant is classified as likely benign based on ACMG/AMP sequence variant interpretation guidelines (Richards et al. 2015 PMID: 25741868, with internal and published modifications).

NM_004329.3(BMPR1A):c.-303C>T

Genes: BMPR1A (bone morphogenetic protein receptor type 1A; plus strand), LOC130004245 (ATAC-STARR-seq lymphoblastoid silent region 2573; plus strand). Cytogenetic location: 10q23.2.
Variant type: single nucleotide variant.
Coding change: c.-303C>T on transcript NM_004329.3 (MANE Select); 303 bases upstream of the start codon, C replaced by T.
Molecular consequence: 5 prime UTR variant. On other transcripts: non-coding transcript variant (3), intron variant (5).
Genome position (GRCh38, 1-based): chr10:86,756,884, C>T. VCF-style: chr10-86756884-C-T. GRCh37 (hg19) VCF-style: chr10-88516641-C-T.
Other names: c.-303C>T (NM_001406559.1, NM_001406560.1, NM_001406583.1 and 1 more transcripts); c.-408C>T (NM_001406561.1); c.-700C>T (NM_001406563.1); c.-563C>T (NM_001406565.1); c.-617C>T (NM_001406569.1); c.-432C>T (NM_001406570.1); c.-722C>T (NM_001406571.1); c.-652C>T (NM_001406572.1); and 20 more.
Identifiers: ClinVar variation 4986627 (VCV004986627.1).